The following is an entry in ClinVar:

ClinVar aggregate classification (germline): Pathogenic (1 of 4 stars; one submission).

Allele frequency attached by ClinVar (database versions not stated): gnomAD 0.00001; TOPMed 0.00001.
gnomAD v4.1: 2 of 1,613,740 alleles (0.00012%); highest among the groups gnomAD compares: Non-Finnish European, 0.00017%; no homozygotes.

Submission:

Labcorp Genetics (formerly Invitae), Labcorp
Classification: Pathogenic. Last evaluated: 2023-11-12. Review status: criteria provided, single submitter. Criteria: Invitae Variant Classification Sherloc (09022015). Collection method: clinical testing. Allele origin: germline.
Comment: This sequence change creates a premature translational stop signal (p.Gln1535*) in the SPTA1 gene. It is expected to result in an absent or disrupted protein product. Loss-of-function variants in SPTA1 are known to be pathogenic (PMID: 9192783, 18815189, 31333484, 31723846, 32266426). This variant is not present in population databases (gnomAD no frequency). This variant has not been reported in the literature in individuals affected with SPTA1-related conditions. For these reasons, this variant has been classified as Pathogenic.

Literature cited by the submitters: PubMed 9192783; PubMed 18815189; PubMed 31333484; PubMed 31723846; PubMed 32266426.

NM_003126.4(SPTA1):c.4603C>T (p.Gln1535Ter)

Gene: SPTA1 (spectrin alpha, erythrocytic 1; minus strand). Cytogenetic location: 1q23.1.
Variant type: single nucleotide variant.
Coding change: c.4603C>T on transcript NM_003126.4 (MANE Select); coding-DNA position 4603, C replaced by T.
Protein change: p.Gln1535Ter; replaces glutamine 1535 with a stop codon.
Molecular consequence: nonsense.
Genome position (GRCh38, 1-based): chr1:158,642,816, G>A on the plus strand (C>T on the coding strand, the complement: SPTA1 is on the minus strand). VCF-style: chr1-158642816-G-A. GRCh37 (hg19) VCF-style: chr1-158612606-G-A.
Other names: short protein forms Q1535*.
Identifiers: ClinVar variation 2820488 (VCV002820488.3), dbSNP rs1172797322, ClinGen allele CA343030714.